The following is an entry in ClinVar:

ClinVar aggregate classification (germline): Conflicting classifications of pathogenicity. Review status: criteria provided, conflicting classifications (1 of 4 stars). 8 submissions from 8 submitters: Uncertain significance (6); Likely benign (1). 1 of the submissions does not count toward it. Last evaluated 2026-01-09.

Conditions:
USH2A-related disorder. Also called: USH2A-related condition; USH2A-related disorders. Identifiers: MedGen CN239332.
Retinal dystrophy. Also called: Inherited retinal dystrophy. Identifiers: Orphanet 71862, MedGen C0854723, MeSH D058499, MONDO:0019118, HP:0000556.
Retinitis pigmentosa 39 (RP39). Identifiers: Orphanet 791, MedGen C3151138, MONDO:0013436, OMIM 613809.
Usher syndrome type 2A. Also called: USHER SYNDROME, TYPE IIA; RETINAL DISEASE IN USHER SYNDROME TYPE IIA, MODIFIER OF. Identifiers: Orphanet 231178, Orphanet 886, MedGen C1848634, MONDO:0010169, OMIM 276901.

Allele frequency attached by ClinVar (database versions not stated): ExAC 0.00011; gnomAD exomes 0.00011 and 0.00015; TOPMed 0.00021; gnomAD 0.00022; ESP Exome Variant Server 0.00031.
gnomAD v4.1: 256 of 1,613,766 alleles (0.016%); highest among the groups gnomAD compares: Non-Finnish European, 0.021%; no homozygotes.

Submissions (8):

Labcorp Genetics (formerly Invitae), Labcorp
Classification: Likely benign. Last evaluated: 2026-01-09. Review status: criteria provided, single submitter. Criteria: Invitae Variant Classification Sherloc (09022015). Collection method: clinical testing. Allele origin: germline.

PreventionGenetics, part of Exact Sciences
Classification: Uncertain significance for USH2A-related condition. Last evaluated: 2025-12-04. Review status: criteria provided, single submitter. Criteria: ACMG Guidelines, 2015. Collection method: clinical testing. Allele origin: germline.
Comment: The USH2A c.10564A>G variant is predicted to result in the amino acid substitution p.Arg3522Gly. This variant has been reported in two individuals with inherited retinal disease or Usher syndrome 2 (Thorsteinsson et al. 2021. PubMed ID: 33851411; Table S1, Weisschuh et al. 2024. PubMed ID: 37734845). In one individual, this variant was found with two other potentially pathogenic variants in USH2A. This variant is reported in 0.025% of alleles in individuals of European (Non-Finnish) descent in gnomAD. At this time, the clinical significance of this variant is uncertain due to the absence of conclusive functional and genetic evidence.

Blueprint Genetics
Classification: Uncertain significance. Last evaluated: 2024-11-14. Review status: criteria provided, single submitter. Criteria: ACMG Guidelines, 2015. Collection method: clinical testing. Allele origin: germline.

Institute of Human Genetics, Clinical Exome/Genome Diagnostics Group, University Hospital Bonn
Classification: Uncertain significance for Retinitis pigmentosa 39; Usher syndrome type 2A. Last evaluated: 2021-08-17. Review status: criteria provided, single submitter. Criteria: ACMG Guidelines, 2015. Collection method: clinical testing. Allele origin: maternal.

Institute of Human Genetics, Univ. Regensburg, Univ. Regensburg
Classification: Uncertain significance for Retinal dystrophy. Last evaluated: 2021-01-01. Review status: criteria provided, single submitter. Criteria: ACMG Guidelines, 2015. Collection method: clinical testing. Allele origin: germline. Affected: yes.

Fulgent Genetics
Classification: Uncertain significance for Usher syndrome type 2A; Retinitis pigmentosa 39. Last evaluated: 2018-10-31. Review status: criteria provided, single submitter. Criteria: ACMG Guidelines, 2015. Collection method: clinical testing. Allele origin: unknown.

Laboratory for Molecular Medicine, Mass General Brigham Personalized Medicine
Classification: Uncertain significance. Last evaluated: 2016-01-15. Review status: criteria provided, single submitter. Criteria: LMM Criteria. Collection method: clinical testing. Allele origin: germline. Observed: 3 variant alleles.
Comment: The p.Arg3522Gly variant in USH2A has not been previously reported in individual s with hearing loss or Usher syndrome, but has been identified 11/66536 European chromosomes by the Exome Aggregation Consortium (ExAC; dbSNP rs147374057). Although this variant has been seen in the general p opulation, its frequency is not high enough to rule out a pathogenic role. Compu tational prediction tools and conservation analyses suggest that the p.Arg3522Gl y variant may not impact the protein, though this information is not predictive enough to rule out pathogenicity. In summary, the clinical significance of t he p.Arg3522Gly variant is uncertain.

Natera, Inc.
Classification: Uncertain significance for Usher syndrome type 2A. Last evaluated: 2019-11-06. Review status: no assertion criteria provided. Collection method: clinical testing. Allele origin: germline. Not counted in ClinVar's aggregate classification.

Literature cited by the submitters: PubMed 33851411 (cited by Institute of Human Genetics, Univ. Regensburg, Univ. Regensburg).

NM_206933.4(USH2A):c.10564A>G (p.Arg3522Gly)

Gene: USH2A (usherin; minus strand). Cytogenetic location: 1q41.
Variant type: single nucleotide variant.
Coding change: c.10564A>G on transcript NM_206933.4 (MANE Select); coding-DNA position 10564, A replaced by G.
Protein change: p.Arg3522Gly; replaces arginine 3522 with glycine.
Molecular consequence: missense variant.
Genome position (GRCh38, 1-based): chr1:215,782,759, T>C on the plus strand (A>G on the coding strand, the complement: USH2A is on the minus strand). VCF-style: chr1-215782759-T-C. GRCh37 (hg19) VCF-style: chr1-215956101-T-C.
Other names: short protein forms R3522G.
Identifiers: ClinVar variation 229614 (VCV000229614.19), dbSNP rs147374057, ClinGen allele CA1393991.
Genomic context (GRCh38, chr1:215,782,759, plus strand): 5'-TGGGATTTTGTTATTTGTATTTTAAAGGTATCTCAATACCATTTGATTGTATAGGTTTTC[T>C]CCAGTTTAAGACAATTGTATCTTCAAGATTGTCTATTTTGGTCCACGTAGGGGGACTCAC-3'
Protein context (NP_996816.3, residues 3512-3532): NLEDTIVLNW[Arg3522Gly]KPIQSNGPII